The following is an entry in ClinVar:

ClinVar aggregate classification (germline): Uncertain significance (1 of 4 stars; one submission).

Conditions:
Cardiovascular phenotype. Identifiers: MedGen CN230736.
Hereditary cancer-predisposing syndrome. Also called: Neoplastic Syndromes, Hereditary; Tumor predisposition; Hereditary Cancer Syndrome; Hereditary neoplastic syndrome. Identifiers: Orphanet 140162, MedGen C0027672, MeSH D009386, MONDO:0015356.

Allele frequency attached by ClinVar (database versions not stated): TOPMed below 0.00001; gnomAD 0.00001.
gnomAD v4.1: 1 of 1,612,424 alleles (0.000062%); highest among the groups gnomAD compares: Non-Finnish European, 0.000085%; no homozygotes.

Submission:

Ambry Genetics
Classification: Uncertain significance for Cardiovascular phenotype; Hereditary cancer-predisposing syndrome. Last evaluated: 2022-01-11. Review status: criteria provided, single submitter. Criteria: Ambry Variant Classification Scheme 2023. Collection method: clinical testing. Allele origin: germline.
Comment: The p.S585C variant (also known as c.1753A>T), located in coding exon 15 of the LZTR1 gene, results from an A to T substitution at nucleotide position 1753. The serine at codon 585 is replaced by cysteine, an amino acid with dissimilar properties. This amino acid position is conserved. In addition, this alteration is predicted to be tolerated by in silico analysis. Since supporting evidence is limited at this time, the clinical significance of this alteration remains unclear.

NM_006767.4(LZTR1):c.1753A>T (p.Ser585Cys)

Gene: LZTR1 (leucine zipper like post translational regulator 1; plus strand). Cytogenetic location: 22q11.21.
Variant type: single nucleotide variant.
Coding change: c.1753A>T on transcript NM_006767.4 (MANE Select); coding-DNA position 1753, A replaced by T.
Protein change: p.Ser585Cys; replaces serine 585 with cysteine.
Molecular consequence: missense variant.
Genome position (GRCh38, 1-based): chr22:20,994,695, A>T. VCF-style: chr22-20994695-A-T. GRCh37 (hg19) VCF-style: chr22-21348984-A-T.
Other names: short protein forms S585C.
Identifiers: ClinVar variation 1779427 (VCV001779427.2), dbSNP rs1395426341, ClinGen allele CA410778225.
Genomic context (GRCh38, chr22:20,994,695, plus strand): 5'-CTGTGCCGCCAGTACATCGAGGCCTCCGTGGACCTGCAGAACGTGCTGGTTGTGTGCGAG[A>T]GTGCCGCCCGGCTGCAGCTGAGCCAACTCAAGGTGTGGGGTGGGGTCAGCGCAATCAGGG-3'
Protein context (NP_006758.2, residues 575-595): DLQNVLVVCE[Ser585Cys]AARLQLSQLK